The following is an entry in ClinVar:

ClinVar aggregate classification (germline): Pathogenic (1 of 4 stars; one submission).

Conditions:
Autosomal dominant polycystic kidney disease. Identifiers: Orphanet 730, MedGen C0085413, MONDO:0004691.

Submission:

Clinical Genetics Laboratory, Skane University Hospital Lund
Classification: Pathogenic for Autosomal dominant polycystic kidney disease. Last evaluated: 2025-08-19. Review status: criteria provided, single submitter. Criteria: ACMG Guidelines, 2015. Collection method: clinical testing. Allele origin: germline. Affected: yes.
Comment: PVS1, PM2, PP1, PP4_Strong

NM_001009944.3(PKD1):c.8119dup (p.Val2707fs)

Gene: PKD1 (polycystin 1, transient receptor potential channel interacting; minus strand). Cytogenetic location: 16p13.3.
Variant type: Duplication.
Coding change: c.8119dup on transcript NM_001009944.3 (MANE Select); coding-DNA position 8119, one base duplicated (G; older notation c.8119dupG).
Protein change: p.Val2707fs; shifts the reading frame from valine 2707.
Molecular consequence: frameshift variant.
Genome position (GRCh38, 1-based): chr16:2,104,540, C duplicated on the plus strand (G on the coding strand, the reverse complement: PKD1 is on the minus strand). VCF-style (leftmost placement, unchanged base first): chr16-2104539-A-AC. GRCh37 (hg19) VCF-style: chr16-2154540-A-AC.
Other names: c.8119dup, p.Val2707fs (NM_000296.4); short protein forms V2707fs.
Identifiers: ClinVar variation 4075403 (VCV004075403.1).